The following is an entry in ClinVar:

ClinVar aggregate classification (germline): Uncertain significance (1 of 4 stars; one submission).

Conditions:
Long QT syndrome (LQTS). Identifiers: MedGen C0023976, MeSH D008133, MONDO:0002442. Disease mechanism: loss of function. Inheritance: Various modes of inheritance.

Submission:

Labcorp Genetics (formerly Invitae), Labcorp
Classification: Uncertain significance for Long QT syndrome. Last evaluated: 2018-11-21. Review status: criteria provided, single submitter. Criteria: Invitae Variant Classification Sherloc (09022015). Collection method: clinical testing. Allele origin: germline.
Comment: This sequence change replaces serine with glycine at codon 3446 of the ANK2 protein (p.Ser3446Gly). The serine residue is weakly conserved and there is a small physicochemical difference between serine and glycine. This variant is not present in population databases (ExAC no frequency). This variant has not been reported in the literature in individuals with ANK2-related disease. Algorithms developed to predict the effect of missense changes on protein structure and function output the following: SIFT: "Tolerated"; PolyPhen-2: "Benign"; Align-GVGD: "Class C0". The glycine amino acid residue is found in multiple mammalian species, suggesting that this missense change does not adversely affect protein function. These predictions have not been confirmed by published functional studies and their clinical significance is uncertain. In summary, the available evidence is currently insufficient to determine the role of this variant in disease. Therefore, it has been classified as a Variant of Uncertain Significance.

NM_001148.6(ANK2):c.10336A>G (p.Ser3446Gly)

Gene: ANK2 (ankyrin 2; plus strand). Cytogenetic location: 4q26.
Variant type: single nucleotide variant.
Coding change: c.10336A>G on transcript NM_001148.6 (MANE Select); coding-DNA position 10336, A replaced by G.
Protein change: p.Ser3446Gly; replaces serine 3446 with glycine.
Molecular consequence: missense variant. On other transcripts: intron variant (68).
Genome position (GRCh38, 1-based): chr4:113,358,954, A>G. VCF-style: chr4-113358954-A-G. GRCh37 (hg19) VCF-style: chr4-114280110-A-G.
Other names: c.4202-1869A>G (NM_001354253.2, NM_001354270.2); c.4166-1869A>G (NM_001354257.2, NM_001386156.1); c.4241-1869A>G (NM_001354249.2, NM_001354266.2, NM_001354276.2 and 2 more transcripts); c.4208-1869A>G (NM_001386146.1, NM_001386150.1, NM_001386149.1 and 1 more transcripts); c.4193-1869A>G (NM_001354274.2, NM_001386154.1); c.4142-1869A>G (NM_001386151.1, NM_001354260.2, NM_001354271.2); c.4043-1869A>G (NM_001386157.1, NM_001354277.2); c.4361-1869A>G (NM_001386161.1, NM_001354244.2, NM_001354256.2); and 35 more; short protein forms S3446G, S2246G, S3368G, S3485G, S3493G.
Identifiers: ClinVar variation 665320 (VCV000665320.5), dbSNP rs1589057836, ClinGen allele CA357940189.